The following is an entry in ClinVar:

ClinVar aggregate classification (germline): Uncertain significance (1 of 4 stars; one submission).

Allele frequency attached by ClinVar (database versions not stated): TOPMed below 0.00001; gnomAD 0.00001; gnomAD exomes 0.00001; ExAC 0.00006.
gnomAD v4.1: 16 of 1,602,782 alleles (0.001%); highest among the groups gnomAD compares: Non-Finnish European, 0.0011%; no homozygotes.

Submission:

Labcorp Genetics (formerly Invitae), Labcorp
Classification: Uncertain significance. Last evaluated: 2023-07-02. Review status: criteria provided, single submitter. Criteria: Invitae Variant Classification Sherloc (09022015). Collection method: clinical testing. Allele origin: germline.
Comment: ClinVar contains an entry for this variant (Variation ID: 454929). In summary, the available evidence is currently insufficient to determine the role of this variant in disease. Therefore, it has been classified as a Variant of Uncertain Significance. An algorithm developed to predict the effect of missense changes on protein structure and function (PolyPhen-2) suggests that this variant¬†is likely to be tolerated. This variant has not been reported in the literature in individuals affected with CFAP298-related conditions. This variant is present in population databases (rs771803570, gnomAD 0.009%). This sequence change replaces leucine, which is neutral and non-polar, with valine, which is neutral and non-polar, at codon 24 of the CFAP298 protein (p.Leu24Val).

NM_021254.4(CFAP298):c.70C>G (p.Leu24Val)

Genes: CFAP298 (cilia and flagella associated protein 298; minus strand), CFAP298-TCP10L (CFAP298-TCP10L readthrough; minus strand). Cytogenetic location: 21q22.11.
Variant type: single nucleotide variant.
Coding change: c.70C>G on transcript NM_021254.4 (MANE Select); coding-DNA position 70, C replaced by G.
Protein change: p.Leu24Val; replaces leucine 24 with valine.
Molecular consequence: missense variant. On other transcripts: non-coding transcript variant (2), 5 prime UTR variant (1).
Genome position (GRCh38, 1-based): chr21:32,612,174, G>C on the plus strand (C>G on the coding strand, the complement: CFAP298 is on the minus strand). VCF-style: chr21-32612174-G-C. GRCh37 (hg19) VCF-style: chr21-33984484-G-C.
Other names: c.70C>G, p.Leu24Val (NM_001350338.2, NM_001350335.2, NM_001350336.2 and 1 more transcripts); c.-160C>G (NM_001350334.2); short protein forms L24V.
Identifiers: ClinVar variation 454929 (VCV000454929.8), dbSNP rs771803570, ClinGen allele CA10002984.
Genomic context (GRCh38, chr21:32,612,174, plus strand): 5'-GGCGCTGCACCTTGAGCCGCCCATTATAGACCCGGGCCACCTGCACCGTGAGCTCCTCCA[G>C]CTCGGTACTCCCAGGCGCCTGCAGCAGGAACTGGCTCTCGTCGCCCCGCTTCACGTGCAG-3'
Protein context (NP_067077.1, residues 14-34): FLLQAPGSTE[Leu24Val]EELTVQVARV